The following is an entry in ClinVar:

NM_001284401.2(TAMM41):c.937+260G>A

Gene: TAMM41 (TAM41 mitochondrial translocator assembly and maintenance homolog). Cytogenetic location: 3p25.2.
Variant type: single nucleotide variant.
Coding change: c.937+260G>A on transcript NM_001284401.2 (MANE Select); 260 bases into the intron after coding-DNA position 937, G replaced by A.
Molecular consequence: intron variant. On other transcripts: synonymous variant (1).
Genome position (GRCh38, 1-based): chr3:11,807,573, C>T on the plus strand (G>A on the coding strand, the complement: TAMM41 is on the minus strand). VCF-style: chr3-11807573-C-T. GRCh37 (hg19) VCF-style: chr3-11849047-C-T.
Other names: c.1197G>A, p.Arg399= (NM_001394474.1); c.874+1944G>A (NM_138807.4); c.814+260G>A (NM_001321294.2); c.439+260G>A (NM_001321295.2).
Identifiers: ClinVar variation 4821529 (VCV004821529.4).
Genomic context (GRCh38, chr3:11,807,573, plus strand): 5'-CTGTTTTTGCAATCCTATGCATCTGTAACTTTGATAAATAAAACAATATGAGGGAAAAAC[C>T]CTGCACACAGGAAGTGTCTCAGAAAATTCAGAAGGGCAGTAAAGCTTCCAACAGCACTGC-3'

ClinVar aggregate classification (germline): Likely benign (1 of 4 stars; one submission).

gnomAD v4.1: 232 of 1,536,028 alleles (0.015%); highest among the groups gnomAD compares: African/African-American, 0.26%; 3 homozygotes.

Submission:

CeGaT Center for Human Genetics Tuebingen
Classification: Likely benign. Last evaluated: 2026-02-01. Review status: criteria provided, single submitter. Criteria: CeGaT Center For Human Genetics Tuebingen Variant Classification Criteria Version 2. Collection method: clinical testing. Allele origin: germline. Affected: yes. Observed: 1 variant allele.
Comment: TAMM41: BP4, BP7